The following is an entry in ClinVar:

ClinVar aggregate classification (germline): Conflicting classifications of pathogenicity. Review status: criteria provided, conflicting classifications (1 of 4 stars). 4 submissions from 4 submitters: Uncertain significance (1); Benign (1); Likely benign (2). Last evaluated 2025-12-16.

Conditions:
Familial cancer of breast. Also called: hereditary breast carcinoma; BREAST CANCER, FAMILIAL; Hereditary breast cancer. Identifiers: Orphanet 227535, MedGen C0346153, MONDO:0016419, OMIM 114480. Disease mechanism: loss of function.
Ataxia-telangiectasia syndrome (AT). Also called: ATAXIA-TELANGIECTASIA, COMPLEMENTATION GROUP A; ATAXIA-TELANGIECTASIA, FRESNO VARIANT; Ataxia-telangiectasia, complementation group E; Ataxia telangiectasia (A-T); LOUIS-BAR SYNDROME; Cerebello-oculocutaneous telangiectasia. Identifiers: Orphanet 100, MedGen C0004135, MONDO:0008840, OMIM 208900.
Hereditary cancer-predisposing syndrome. Also called: Neoplastic Syndromes, Hereditary; Hereditary Cancer Syndrome; Hereditary neoplastic syndrome; Tumor predisposition. Identifiers: Orphanet 140162, MedGen C0027672, MeSH D009386, MONDO:0015356.

Submissions (4):

Color Diagnostics, LLC DBA Color Health
Classification: Uncertain significance for Hereditary cancer-predisposing syndrome. Last evaluated: 2025-12-16. Review status: criteria provided, single submitter. Criteria: ACMG Guidelines, 2015. Collection method: clinical testing. Allele origin: germline.
Comment: This variant is a synonymouis variant located in exon 6 of the ATM gene. Splice site prediction tools suggest that this variant may impact RNA splicing. To our knowledge, RNA studies have not been reported for this variant. This variant has not been reported in individuals affected with ATM-related disorders in the literature. This variant has been identified in 0/1596362 chromosomes in the general population by the Genome Aggregation Database (gnomAD). The available evidence is insufficient to determine the role of this variant in disease conclusively. Therefore, this variant is classified as a Variant of Uncertain Significance.

Myriad Genetics, Inc.
Classification: Benign for Familial cancer of breast. Last evaluated: 2024-04-19. Review status: criteria provided, single submitter. Criteria: Myriad Autosomal Dominant, Autosomal Recessive and X-Linked Classification Criteria (2023). Collection method: clinical testing. Allele origin: unknown.
Comment: This variant is considered benign. This variant is a silent/synonymous amino acid change and it is not expected to impact splicing.

Labcorp Genetics (formerly Invitae), Labcorp
Classification: Likely benign for Ataxia-telangiectasia syndrome. Last evaluated: 2021-10-21. Review status: criteria provided, single submitter. Criteria: Invitae Variant Classification Sherloc (09022015). Collection method: clinical testing. Allele origin: germline.

Ambry Genetics
Classification: Likely benign for Hereditary cancer-predisposing syndrome. Last evaluated: 2018-09-27. Review status: criteria provided, single submitter. Criteria: Ambry Variant Classification Scheme 2023. Collection method: clinical testing. Allele origin: germline.

NM_000051.4(ATM):c.516C>T (p.Phe172=)

Gene: ATM (ATM serine/threonine kinase; plus strand). Cytogenetic location: 11q22.3.
Variant type: single nucleotide variant.
Coding change: c.516C>T on transcript NM_000051.4 (MANE Select); coding-DNA position 516, C replaced by T.
Protein change: p.Phe172=; no amino-acid change (phenylalanine 172 retained).
Molecular consequence: synonymous variant.
Genome position (GRCh38, 1-based): chr11:108,243,972, C>T. VCF-style: chr11-108243972-C-T. GRCh37 (hg19) VCF-style: chr11-108114699-C-T.
Other names: c.516C>T, p.Phe172= (NM_001351834.2).
Identifiers: ClinVar variation 825499 (VCV000825499.14), dbSNP rs1591499730, ClinGen allele CA476671386.